The following is an entry in ClinVar:

ClinVar aggregate classification (germline): Pathogenic (1 of 4 stars; one submission).

Conditions:
Duchenne muscular dystrophy (DMD). Also called: MUSCULAR DYSTROPHY, PSEUDOHYPERTROPHIC PROGRESSIVE, DUCHENNE TYPE; Duchenne Muscular Dystrophy (DMD). Identifiers: Orphanet 98896, MedGen C0013264, MONDO:0010679, OMIM 310200.

Submission:

Labcorp Genetics (formerly Invitae), Labcorp
Classification: Pathogenic for Duchenne muscular dystrophy. Last evaluated: 2022-12-15. Review status: criteria provided, single submitter. Criteria: Invitae Variant Classification Sherloc (09022015). Collection method: clinical testing. Allele origin: unknown.
Comment: For these reasons, this variant has been classified as Pathogenic. This variant disrupts a region of the DMD protein in which other variant(s) (deletion of exon 64) have been determined to be pathogenic (PMID: 22510846, 24504883, 24770780, 31705731). This suggests that this is a clinically significant region of the protein, and that variants that disrupt it are likely to be disease-causing. A similar copy number variant has been observed in individual(s) with Duchenne muscular dystrophy (PMID: 31705731). This variant is a gross deletion of the genomic region encompassing exon(s) 2-79 of the DMD gene, which includes the termination codon. This deletion extends beyond the assayed region for this gene and therefore may encompass additional genes. While this deletion is not anticipated to lead to nonsense mediated decay, it is expected to alter mRNA translation or result in a truncated protein product.

Literature cited by the submitters: PubMed 22510846; PubMed 24504883; PubMed 24770780; PubMed 31705731.

NC_000023.10:g.(?_30322696)_(33038337_?)del

Genes: NR0B1 (nuclear receptor subfamily 0 group B member 1; minus strand), TAB3 (TGF-beta activated kinase 1 (MAP3K7) binding protein 3; minus strand), TASL (TLR adaptor interacting with endolysosomal SLC15A4; minus strand), DMD (dystrophin; minus strand), FTHL17 (ferritin heavy chain like 17; minus strand) and 1 more. Cytogenetic location: Xp21.2-21.1.
Variant type: Deletion.
Identifiers: ClinVar variation 3245900 (VCV003245900.1).